The following is an entry in ClinVar:

NM_015570.4(AUTS2):c.85G>A (p.Gly29Arg)

Genes: AUTS2 (activator of transcription and developmental regulator AUTS2; plus strand), LOC129998550 (ATAC-STARR-seq lymphoblastoid silent region 18224; plus strand). Cytogenetic location: 7q11.22.
Variant type: single nucleotide variant.
Coding change: c.85G>A on transcript NM_015570.4 (MANE Select); coding-DNA position 85, G replaced by A.
Protein change: p.Gly29Arg; replaces glycine 29 with arginine.
Molecular consequence: missense variant.
Genome position (GRCh38, 1-based): chr7:69,599,738, G>A. VCF-style: chr7-69599738-G-A. GRCh37 (hg19) VCF-style: chr7-69064724-G-A.
Other names: c.85G>A, p.Gly29Arg (NM_001127232.3, NM_001127231.3); short protein forms G29R.
Identifiers: ClinVar variation 3685118 (VCV003685118.2).

ClinVar aggregate classification (germline): Uncertain significance (1 of 4 stars; one submission).

Submission:

Labcorp Genetics (formerly Invitae), Labcorp
Classification: Uncertain significance. Last evaluated: 2024-05-21. Review status: criteria provided, single submitter. Criteria: Invitae Variant Classification Sherloc (09022015). Collection method: clinical testing. Allele origin: germline.
Comment: This sequence change replaces glycine, which is neutral and non-polar, with arginine, which is basic and polar, at codon 29 of the AUTS2 protein (p.Gly29Arg). This variant is not present in population databases (gnomAD no frequency). This variant has not been reported in the literature in individuals affected with AUTS2-related conditions. An algorithm developed to predict the effect of missense changes on protein structure and function (PolyPhen-2) suggests that this variant is likely to be disruptive. In summary, the available evidence is currently insufficient to determine the role of this variant in disease. Therefore, it has been classified as a Variant of Uncertain Significance.